The following is an entry in ClinVar:

NM_000041.4(APOE):c.703C>T (p.Arg235Trp)

Gene: APOE (apolipoprotein E; plus strand). Cytogenetic location: 19q13.32.
Variant type: single nucleotide variant.
Coding change: c.703C>T on transcript NM_000041.4 (MANE Select); coding-DNA position 703, C replaced by T.
Protein change: p.Arg235Trp; replaces arginine 235 with tryptophan.
Molecular consequence: missense variant.
Genome position (GRCh38, 1-based): chr19:44,908,999, C>T. VCF-style: chr19-44908999-C-T. GRCh37 (hg19) VCF-style: chr19-45412256-C-T.
Other names: c.781C>T, p.Arg261Trp (NM_001302688.2); c.703C>T, p.Arg235Trp (NM_001302689.2, NM_001302690.2, NM_001302691.2); short protein forms R235W, R261W.
Identifiers: ClinVar variation 4980189 (VCV004980189.1).

ClinVar aggregate classification (germline): Uncertain significance (1 of 4 stars; one submission).

Conditions:
APOE-related disorder. Also called: APOE-related condition.

gnomAD v4.1: 84 of 1,534,768 alleles (0.0055%); highest among the groups gnomAD compares: Non-Finnish European, 0.0069%; no homozygotes.

Submission:

PreventionGenetics, part of Exact Sciences
Classification: Uncertain significance for APOE-related condition. Last evaluated: 2026-06-05. Review status: criteria provided, single submitter. Criteria: ACMG Guidelines, 2015. Collection method: clinical testing. Allele origin: germline.
Comment: The APOE c.703C>T variant is predicted to result in the amino acid substitution p.Arg235Trp. This variant has been reported in an individual with hyperlipidemia (Marduel et al. 2013. PubMed ID: 22949395). This variant is reported in 0.0061% of alleles in individuals of European (non-Finnish) descent in gnomAD. At this time, the clinical significance of this variant is uncertain due to the absence of conclusive functional and genetic evidence.